The following is an entry in ClinVar:

NM_007074.4(CORO1A):c.1100C>G (p.Thr367Ser)

Gene: CORO1A (coronin 1A; plus strand). Cytogenetic location: 16p11.2.
Variant type: single nucleotide variant.
Coding change: c.1100C>G on transcript NM_007074.4 (MANE Select); coding-DNA position 1100, C replaced by G.
Protein change: p.Thr367Ser; replaces threonine 367 with serine.
Molecular consequence: missense variant.
Genome position (GRCh38, 1-based): chr16:30,188,395, C>G. VCF-style: chr16-30188395-C-G. GRCh37 (hg19) VCF-style: chr16-30199716-C-G.
Other names: c.1100C>G, p.Thr367Ser (NM_001193333.3); short protein forms T367S.
Identifiers: ClinVar variation 1984061 (VCV001984061.5), dbSNP rs1414707570, ClinGen allele CA395498680.

ClinVar aggregate classification (germline): Uncertain significance. Review status: criteria provided, multiple submitters, no conflicts (2 of 4 stars). 2 submissions from 2 submitters: Uncertain significance (2). Last evaluated 2023-12-11.

Conditions:
Severe combined immunodeficiency due to CORO1A deficiency. Also called: IMMUNODEFICIENCY 8 WITH LYMPHOPROLIFERATION; Immunodeficiency 8. Identifiers: Orphanet 228003, MedGen C3809383, MONDO:0014168, OMIM 615401.

Allele frequency attached by ClinVar (database versions not stated): TOPMed below 0.00001; gnomAD 0.00001.
gnomAD v4.1: 1 of 1,613,732 alleles (0.000062%); highest among the groups gnomAD compares: African/African-American, 0.0013%; no homozygotes.

Submissions (2):

Labcorp Genetics (formerly Invitae), Labcorp
Classification: Uncertain significance for Severe combined immunodeficiency due to CORO1A deficiency. Last evaluated: 2023-12-11. Review status: criteria provided, single submitter. Criteria: Invitae Variant Classification Sherloc (09022015). Collection method: clinical testing. Allele origin: germline.
Comment: This sequence change replaces threonine, which is neutral and polar, with serine, which is neutral and polar, at codon 367 of the CORO1A protein (p.Thr367Ser). This variant is not present in population databases (gnomAD no frequency). This variant has not been reported in the literature in individuals affected with CORO1A-related conditions. ClinVar contains an entry for this variant (Variation ID: 1984061). Advanced modeling of protein sequence and biophysical properties (such as structural, functional, and spatial information, amino acid conservation, physicochemical variation, residue mobility, and thermodynamic stability) performed at Invitae indicates that this missense variant is not expected to disrupt CORO1A protein function with a negative predictive value of 80%. In summary, the available evidence is currently insufficient to determine the role of this variant in disease. Therefore, it has been classified as a Variant of Uncertain Significance.

Blueprint Genetics
Classification: Uncertain significance. Last evaluated: 2020-01-17. Review status: criteria provided, single submitter. Criteria: ACMG Guidelines, 2015. Collection method: clinical testing. Allele origin: germline.